The following is an entry in ClinVar:

NM_001382273.1(TNK2):c.-18-6791C>A

Gene: TNK2 (tyrosine kinase non receptor 2; minus strand). Cytogenetic location: 3q29.
Variant type: single nucleotide variant.
Coding change: c.-18-6791C>A on transcript NM_001382273.1 (MANE Select); 6791 bases into the intron before 18 bases upstream of the start codon, C replaced by A.
Molecular consequence: intron variant.
Genome position (GRCh38, 1-based): chr3:195,895,397, G>T on the plus strand (C>A on the coding strand, the complement: TNK2 is on the minus strand). VCF-style: chr3-195895397-G-T. GRCh37 (hg19) VCF-style: chr3-195622268-G-T.
Other names: c.-18-6791C>A (NM_001387720.1, NM_005781.5, NM_001386164.1 and 1 more transcripts); c.-19+1770C>A (NM_001387714.1); c.-19+1346C>A (NM_001387711.1); c.-19+656C>A (NM_001387721.1, NM_001387710.1); c.-19+498C>A (NM_001387719.1, NM_001387713.1, NM_001387712.1 and 2 more transcripts).
Identifiers: ClinVar variation 3621643 (VCV003621643.2).
Genomic context (GRCh38, chr3:195,895,397, plus strand): 5'-AGCAGCGCCCGCAGCCCCCGCCCCGCAGCGGCACCGGCAGCGTCACTGCCCTGCGTCCTG[G>T]GGGGCCGGGCCTCGAGCATCCTCCAGAAGTGCAGGGCCGCTACTGCGTCTCAGCCCCCAT-3'

ClinVar aggregate classification (germline): Uncertain significance (1 of 4 stars; one submission).

Submission:

Labcorp Genetics (formerly Invitae), Labcorp
Classification: Uncertain significance. Last evaluated: 2024-03-25. Review status: criteria provided, single submitter. Criteria: Invitae Variant Classification Sherloc (09022015). Collection method: clinical testing. Allele origin: germline.
Comment: This sequence change replaces proline, which is neutral and non-polar, with histidine, which is basic and polar, at codon 7 of the TNK2 protein (p.Pro7His). This variant is not present in population databases (gnomAD no frequency). This variant has not been reported in the literature in individuals affected with TNK2-related conditions. An algorithm developed to predict the effect of missense changes on protein structure and function (PolyPhen-2) suggests that this variant is likely to be disruptive. In summary, the available evidence is currently insufficient to determine the role of this variant in disease. Therefore, it has been classified as a Variant of Uncertain Significance.